The following is an entry in ClinVar:

ClinVar aggregate classification (germline): Uncertain significance (1 of 4 stars; one submission).

gnomAD v4.1: 2 of 1,614,208 alleles (0.00012%); highest among the groups gnomAD compares: South Asian, 0.0011%; no homozygotes.

Submission:

Labcorp Genetics (formerly Invitae), Labcorp
Classification: Uncertain significance. Last evaluated: 2024-05-23. Review status: criteria provided, single submitter. Criteria: Invitae Variant Classification Sherloc (09022015). Collection method: clinical testing. Allele origin: germline.
Comment: This sequence change replaces serine, which is neutral and polar, with phenylalanine, which is neutral and non-polar, at codon 894 of the NPAT protein (p.Ser894Phe). This variant is present in population databases (no rsID available, gnomAD 0.0009%). This variant has not been reported in the literature in individuals affected with NPAT-related conditions. An algorithm developed to predict the effect of missense changes on protein structure and function (PolyPhen-2) suggests that this variant is likely to be disruptive. In summary, the available evidence is currently insufficient to determine the role of this variant in disease. Therefore, it has been classified as a Variant of Uncertain Significance.

NM_002519.3(NPAT):c.2681C>T (p.Ser894Phe)

Gene: NPAT (nuclear protein, coactivator of histone transcription; minus strand). Cytogenetic location: 11q22.3.
Variant type: single nucleotide variant.
Coding change: c.2681C>T on transcript NM_002519.3 (MANE Select); coding-DNA position 2681, C replaced by T.
Protein change: p.Ser894Phe; replaces serine 894 with phenylalanine.
Molecular consequence: missense variant.
Genome position (GRCh38, 1-based): chr11:108,172,303, G>A on the plus strand (C>T on the coding strand, the complement: NPAT is on the minus strand). VCF-style: chr11-108172303-G-A. GRCh37 (hg19) VCF-style: chr11-108043030-G-A.
Other names: c.2681C>T, p.Ser894Phe (NM_001321307.1); short protein forms S894F.
Identifiers: ClinVar variation 2868115 (VCV002868115.3), dbSNP rs1246959979, ClinGen allele CA382512457.